The following is an entry in ClinVar:

NM_001792.5(CDH2):c.335A>G (p.Gln112Arg)

Gene: CDH2 (cadherin 2; minus strand). Cytogenetic location: 18q12.1.
Variant type: single nucleotide variant.
Coding change: c.335A>G on transcript NM_001792.5 (MANE Select); coding-DNA position 335, A replaced by G.
Protein change: p.Gln112Arg; replaces glutamine 112 with arginine.
Molecular consequence: missense variant.
Genome position (GRCh38, 1-based): chr18:28,013,747, T>C on the plus strand (A>G on the coding strand, the complement: CDH2 is on the minus strand). VCF-style: chr18-28013747-T-C. GRCh37 (hg19) VCF-style: chr18-25593711-T-C.
Other names: c.242A>G, p.Gln81Arg (NM_001308176.2); c.335A>G (NM_001792.4); short protein forms Q112R, Q81R.
Identifiers: ClinVar variation 1730581 (VCV001730581.6), dbSNP rs368957587, ClinGen allele CA8923725.

ClinVar aggregate classification (germline): Uncertain significance. Review status: criteria provided, multiple submitters, no conflicts (2 of 4 stars). 3 submissions from 3 submitters: Uncertain significance (3). Last evaluated 2025-11-25.

Conditions:
Inborn genetic diseases. Identifiers: MedGen C0950123, MeSH D030342.

Allele frequency attached by ClinVar (database versions not stated): gnomAD exomes below 0.00001; TOPMed 0.00003; ExAC 0.00002; gnomAD 0.00002; ESP Exome Variant Server 0.00008.
gnomAD v4.1: 4 of 1,613,950 alleles (0.00025%); highest among the groups gnomAD compares: African/African-American, 0.0053%; no homozygotes.

Submissions (3):

Labcorp Genetics (formerly Invitae), Labcorp
Classification: Uncertain significance. Last evaluated: 2025-11-25. Review status: criteria provided, single submitter. Criteria: Invitae Variant Classification Sherloc (09022015). Collection method: clinical testing. Allele origin: germline.
Comment: This sequence change replaces glutamine, which is neutral and polar, with arginine, which is basic and polar, at codon 112 of the CDH2 protein (p.Gln112Arg). This variant is present in population databases (rs368957587, gnomAD 0.01%). This variant has not been reported in the literature in individuals affected with CDH2-related conditions. ClinVar contains an entry for this variant (Variation ID: 1730581). An algorithm developed to predict the effect of missense changes on protein structure and function (PolyPhen-2) suggests that this variant is likely to be tolerated. In summary, the available evidence is currently insufficient to determine the role of this variant in disease. Therefore, it has been classified as a Variant of Uncertain Significance.

Ambry Genetics
Classification: Uncertain significance for Inborn genetic diseases. Last evaluated: 2025-09-28. Review status: criteria provided, single submitter. Criteria: Ambry Variant Classification Scheme 2023. Collection method: clinical testing. Allele origin: germline.

GeneDx
Classification: Uncertain significance. Last evaluated: 2025-05-28. Review status: criteria provided, single submitter. Criteria: GeneDx Variant Classification Process June 2021. Collection method: clinical testing. Allele origin: germline. Affected: yes.
Comment: In silico analysis supports that this missense variant has a deleterious effect on protein structure/function; Has not been previously published as pathogenic or benign to our knowledge